The following is an entry in ClinVar:

NM_004183.4(BEST1):c.883A>G (p.Ile295Val)

Gene: BEST1 (bestrophin 1; plus strand). Cytogenetic location: 11q12.3.
Variant type: single nucleotide variant.
Coding change: c.883A>G on transcript NM_004183.4 (MANE Select); coding-DNA position 883, A replaced by G.
Protein change: p.Ile295Val; replaces isoleucine 295 with valine.
Molecular consequence: missense variant. On other transcripts: synonymous variant (1), non-coding transcript variant (1), intron variant (1).
Genome position (GRCh38, 1-based): chr11:61,959,513, A>G. VCF-style: chr11-61959513-A-G. GRCh37 (hg19) VCF-style: chr11-61726985-A-G.
Other names: c.703A>G, p.Ile235Val (NM_001139443.3, NM_001300787.2); c.565A>G, p.Ile189Val (NM_001363591.3); c.1086A>G, p.Ser362= (NM_001363592.2); c.-90A>G (NM_001363593.3); c.688-379A>G (NM_001300786.2); short protein forms I189V, I235V, I295V.
Identifiers: ClinVar variation 1303124 (VCV001303124.7), dbSNP rs777320382, ClinGen allele CA222939240.

ClinVar aggregate classification (germline): Pathogenic/Likely pathogenic. Review status: criteria provided, multiple submitters, no conflicts (2 of 4 stars). 3 submissions from 3 submitters: Pathogenic (1); Likely pathogenic (2). Last evaluated 2025-08-20.

Conditions:
BEST1-related disorder. Also called: BEST1-related condition; BEST1-related disorders. Identifiers: MedGen CN239200.

Allele frequency attached by ClinVar (database versions not stated): gnomAD exomes below 0.00001 and 0.00001.
gnomAD v4.1: 13 of 1,614,220 alleles (0.00081%); highest among the groups gnomAD compares: Non-Finnish European, 0.001%; no homozygotes.

Submissions (3):

Labcorp Genetics (formerly Invitae), Labcorp
Classification: Pathogenic. Last evaluated: 2025-08-20. Review status: criteria provided, single submitter. Criteria: Invitae Variant Classification Sherloc (09022015). Collection method: clinical testing. Allele origin: germline.
Comment: This sequence change replaces isoleucine, which is neutral and non-polar, with valine, which is neutral and non-polar, at codon 295 of the BEST1 protein (p.Ile295Val). This variant is present in population databases (rs777320382, gnomAD 0.0009%). This missense change has been observed in individuals with clinical features of autosomal dominant inherited retinal dystrophy and/or clinical features of inherited retinal dystrophy (PMID: 21109774, 38219857; internal data). ClinVar contains an entry for this variant (Variation ID: 1303124). Invitae Evidence Modeling of protein sequence and biophysical properties (such as structural, functional, and spatial information, amino acid conservation, physicochemical variation, residue mobility, and thermodynamic stability) indicates that this missense variant is expected to disrupt BEST1 protein function with a positive predictive value of 95%. This variant disrupts the p.Ile295 amino acid residue in BEST1. Other variant(s) that disrupt this residue have been determined to be pathogenic (PMID: 12187431, 29781975). This suggests that this residue is clinically significant, and that variants that disrupt this residue are likely to be disease-causing. For these reasons, this variant has been classified as Pathogenic.

GeneDx
Classification: Likely pathogenic. Last evaluated: 2025-01-15. Review status: criteria provided, single submitter. Criteria: GeneDx Variant Classification Process June 2021. Collection method: clinical testing. Allele origin: germline. Affected: yes.
Comment: Identified in a family with vitelliform macular dystrophy in published literature (PMID: 21109774); Not observed at significant frequency in large population cohorts (gnomAD); In silico analysis indicates that this missense variant does not alter protein structure/function; This variant is associated with the following publications: (PMID: 21109774, 38219857)

Blueprint Genetics
Classification: Likely pathogenic for BEST1-related disorders. Last evaluated: 2022-06-30. Review status: criteria provided, single submitter. Criteria: ACMG Guidelines, 2015. Collection method: clinical testing. Allele origin: germline. Affected: yes. Observed: 2 variant alleles.

Literature cited by the submitters: PubMed 21109774 (cited by Labcorp Genetics (formerly Invitae), Labcorp); PubMed 38219857 (cited by Labcorp Genetics (formerly Invitae), Labcorp); PubMed 12187431 (cited by Labcorp Genetics (formerly Invitae), Labcorp); PubMed 29781975 (cited by Labcorp Genetics (formerly Invitae), Labcorp).